The following is an entry in ClinVar:

ClinVar aggregate classification (germline): Pathogenic (1 of 4 stars; one submission).

Conditions:
Hereditary nonpolyposis colorectal neoplasms. Identifiers: MedGen C0009405, MeSH D003123.

Submission:

Labcorp Genetics (formerly Invitae), Labcorp
Classification: Pathogenic for Hereditary nonpolyposis colorectal neoplasms. Last evaluated: 2023-03-02. Review status: criteria provided, single submitter. Criteria: Invitae Variant Classification Sherloc (09022015). Collection method: clinical testing. Allele origin: germline.
Comment: For these reasons, this variant has been classified as Pathogenic. This variant has not been reported in the literature in individuals affected with PMS2-related conditions. This variant is not present in population databases (gnomAD no frequency). This sequence change creates a premature translational stop signal (p.Met600Ilefs*8) in the PMS2 gene. It is expected to result in an absent or disrupted protein product. Loss-of-function variants in PMS2 are known to be pathogenic (PMID: 21376568, 24362816).

Literature cited by the submitters: PubMed 21376568; PubMed 24362816.

NM_000535.7(PMS2):c.1800del (p.Met600fs)

Gene: PMS2 (PMS1 homolog 2, mismatch repair system component; minus strand). Cytogenetic location: 7p22.1.
Variant type: Deletion.
Coding change: c.1800del on transcript NM_000535.7 (MANE Select); coding-DNA position 1800, one base deleted (G; older notation c.1800delG).
Protein change: p.Met600fs; shifts the reading frame from methionine 600.
Molecular consequence: frameshift variant. On other transcripts: non-coding transcript variant (1), intron variant (1).
Genome position (GRCh38, 1-based): chr7:5,986,965, C deleted on the plus strand (G on the coding strand, the reverse complement: PMS2 is on the minus strand). VCF-style (leftmost placement, unchanged base first): chr7-5986964-AC-A. GRCh37 (hg19) VCF-style: chr7-6026595-AC-A.
Other names: c.1395delG, p.Met465Ilefs (NM_001018040.1); c.1395del, p.Met465fs (NM_001322003.2, NM_001322004.2, NM_001322005.2 and 16 more transcripts); c.1644del, p.Met548fs (NM_001322006.2, NM_001406870.1); c.1482del, p.Met494fs (NM_001322007.2, NM_001322008.2, NM_001406876.1 and 2 more transcripts); c.1239del, p.Met413fs (NM_001322010.2, NM_001406906.1, NM_001406907.1); c.867del, p.Met289fs (NM_001322011.2, NM_001322012.2); c.1227del, p.Met409fs (NM_001322013.2, NM_001406909.1); c.1800del, p.Met600fs (NM_001322014.2, NM_001406871.1, NM_001406872.1); and 14 more; short protein forms M465fs, M494fs, M564fs, M409fs, M445fs, M492fs, M534fs, M548fs.
Identifiers: ClinVar variation 2842038 (VCV002842038.3), dbSNP rs2535731339, ClinGen allele CA2739266246.
Genomic context (GRCh38, chr7:5,986,964, plus strand): 5'-AAAAGTCCAGGGGCACAACTTTCTTATTAATTTTCACAGCTACATCAACCTGAGAGGCTG[AC>A]ATGTCCTGAGTATTTACTAACTTTTGACAAATGTCAGAACTGGAAAGAATTTCTTCTTTT-3'